The following is an entry in ClinVar:

NM_000051.4(ATM):c.8906A>G (p.Tyr2969Cys)

Genes: ATM (ATM serine/threonine kinase; plus strand), C11orf65 (chromosome 11 open reading frame 65; minus strand). Cytogenetic location: 11q22.3.
Variant type: single nucleotide variant.
Coding change: c.8906A>G on transcript NM_000051.4 (MANE Select); coding-DNA position 8906, A replaced by G.
Protein change: p.Tyr2969Cys; replaces tyrosine 2969 with cysteine.
Molecular consequence: missense variant. On other transcripts: intron variant (2).
Genome position (GRCh38, 1-based): chr11:108,365,137, A>G. VCF-style: chr11-108365137-A-G. GRCh37 (hg19) VCF-style: chr11-108235864-A-G.
Other names: c.8906A>G, p.Tyr2969Cys (NM_001351834.2); c.640+20783T>C (NM_001330368.2); c.694+20783T>C (NM_001351110.2); short protein forms Y2969C.
Identifiers: ClinVar variation 229994 (VCV000229994.22), dbSNP rs376524155, ClinGen allele CA6266490.

ClinVar aggregate classification (germline): Uncertain significance. Review status: criteria provided, multiple submitters, no conflicts (2 of 4 stars). 7 submissions from 7 submitters: Uncertain significance (7). Last evaluated 2026-01-02.

Conditions:
Hereditary cancer-predisposing syndrome. Also called: Neoplastic Syndromes, Hereditary; Hereditary neoplastic syndrome; Tumor predisposition; Hereditary Cancer Syndrome. Identifiers: Orphanet 140162, MedGen C0027672, MeSH D009386, MONDO:0015356.
ATM-related cancer predisposition. Also called: ATM-related cancer susceptibility. Identifiers: MedGen CN377759, MONDO:0700270.
Ataxia-telangiectasia syndrome (AT). Also called: Ataxia telangiectasia (A-T); Cerebello-oculocutaneous telangiectasia; Immunodeficiency with ataxia telangiectasia; LOUIS-BAR SYNDROME; AT, COMPLEMENTATION GROUP C; ATAXIA-TELANGIECTASIA, FRESNO VARIANT. Identifiers: Orphanet 100, MedGen C0004135, MONDO:0008840, OMIM 208900.

Allele frequency attached by ClinVar (database versions not stated): gnomAD exomes below 0.00001; ESP Exome Variant Server 0.00008; ExAC 0.00001.
gnomAD v4.1: 7 of 1,614,190 alleles (0.00043%); highest among the groups gnomAD compares: Non-Finnish European, 0.00059%; no homozygotes.

Submissions (7):

Labcorp Genetics (formerly Invitae), Labcorp
Classification: Uncertain significance for Ataxia-telangiectasia syndrome. Last evaluated: 2026-01-02. Review status: criteria provided, single submitter. Criteria: Invitae Variant Classification Sherloc (09022015). Collection method: clinical testing. Allele origin: germline.
Comment: This sequence change replaces tyrosine, which is neutral and polar, with cysteine, which is neutral and slightly polar, at codon 2969 of the ATM protein (p.Tyr2969Cys). This variant is present in population databases (rs376524155, gnomAD 0.007%). This variant has not been reported in the literature in individuals affected with ATM-related conditions. ClinVar contains an entry for this variant (Variation ID: 229994). Invitae Evidence Modeling of protein sequence and biophysical properties (such as structural, functional, and spatial information, amino acid conservation, physicochemical variation, residue mobility, and thermodynamic stability) indicates that this missense variant is expected to disrupt ATM protein function with a positive predictive value of 80%. In summary, the available evidence is currently insufficient to determine the role of this variant in disease. Therefore, it has been classified as a Variant of Uncertain Significance.

Ambry Genetics
Classification: Uncertain significance for Hereditary cancer-predisposing syndrome. Last evaluated: 2025-03-06. Review status: criteria provided, single submitter. Criteria: Ambry Variant Classification Scheme 2023. Collection method: clinical testing. Allele origin: germline.
Comment: The p.Y2969C variant (also known as c.8906A>G), located in coding exon 61 of the ATM gene, results from an A to G substitution at nucleotide position 8906. The tyrosine at codon 2969 is replaced by cysteine, an amino acid with highly dissimilar properties. This amino acid position is well conserved in available vertebrate species. In addition, the in silico prediction for this alteration is inconclusive. Based on the available evidence, the clinical significance of this variant remains unclear.

Molecular Pathology, Peter Maccallum Cancer Centre
Classification: Uncertain significance for Ataxia-telangiectasia syndrome. Last evaluated: 2024-10-23. Review status: criteria provided, single submitter. Criteria: ACMG Guidelines, 2015. Collection method: clinical testing. Allele origin: germline. Inheritance: Autosomal recessive inheritance.

Color Diagnostics, LLC DBA Color Health
Classification: Uncertain significance for Hereditary cancer-predisposing syndrome. Last evaluated: 2023-08-07. Review status: criteria provided, single submitter. Criteria: ACMG Guidelines, 2015. Collection method: clinical testing. Allele origin: germline.
Comment: This missense variant replaces tyrosine with cysteine at codon 2969 of the ATM protein. Computational prediction is inconclusive regarding the impact of this variant on protein structure and function (internally defined REVEL score threshold 0.5 < inconclusive < 0.7, PMID: 27666373). To our knowledge, functional studies have not been reported for this variant. This variant has not been reported in individuals affected with ATM-related disorders in the literature. This variant has not been identified in the general population by the Genome Aggregation Database (gnomAD). The available evidence is insufficient to determine the role of this variant in disease conclusively. Therefore, this variant is classified as a Variant of Uncertain Significance.

GeneDx
Classification: Uncertain significance. Last evaluated: 2021-02-25. Review status: criteria provided, single submitter. Criteria: GeneDx Variant Classification Process June 2021. Collection method: clinical testing. Allele origin: germline. Affected: yes.
Comment: Not observed in large population cohorts (Lek et al., 2016); In silico analysis supports that this missense variant has a deleterious effect on protein structure/function; Has not been previously published as pathogenic or benign to our knowledge

Women's Health and Genetics/Laboratory Corporation of America, LabCorp
Classification: Uncertain significance. Last evaluated: 2020-06-08. Review status: criteria provided, single submitter. Criteria: LabCorp Variant Classification Summary - May 2015. Collection method: clinical testing. Allele origin: germline.
Comment: Variant summary: ATM c.8906A>G (p.Tyr2969Cys) results in a non-conservative amino acid change located in the Phosphatidylinositol 3-/4-kinase, catalytic domain (IPR000403) of the encoded protein sequence. Four of five in-silico tools predict a damaging effect of the variant on protein function. The variant was absent in 251420 control chromosomes (gnomAD). The available data on variant occurrences in the general population are insufficient to allow any conclusion about variant significance. To our knowledge, no occurrence of c.8906A>G in individuals affected with Breast Cancer and no experimental evidence demonstrating its impact on protein function have been reported. Three ClinVar submitters (evaluation after 2014) cite the variant as uncertain significance. Based on the evidence outlined above, the variant was classified as uncertain significance.

Department of Pathology and Laboratory Medicine, Sinai Health System
Classification: Uncertain significance for ATM-related cancer predisposition. Last evaluated: 2019-11-06. Review status: criteria provided, single submitter. Criteria: ACMG Guidelines, 2015. Collection method: clinical testing. Allele origin: germline. Affected: no.